The following is an entry in ClinVar:

NM_152327.5(AK7):c.1886G>A (p.Arg629Gln)

Gene: AK7 (adenylate kinase 7; plus strand). Cytogenetic location: 14q32.2.
Variant type: single nucleotide variant.
Coding change: c.1886G>A on transcript NM_152327.5 (MANE Select); coding-DNA position 1886, G replaced by A.
Protein change: p.Arg629Gln; replaces arginine 629 with glutamine.
Molecular consequence: missense variant.
Genome position (GRCh38, 1-based): chr14:96,483,131, G>A. VCF-style: chr14-96483131-G-A. GRCh37 (hg19) VCF-style: chr14-96949468-G-A.
Other names: c.1886G>A (NM_152327.2); c.1817G>A, p.Arg606Gln (NM_001350888.2, NM_001350890.2); c.1808G>A, p.Arg603Gln (NM_001350891.2); c.1688G>A, p.Arg563Gln (NM_001350892.2); short protein forms R563Q, R603Q, R606Q, R629Q.
Identifiers: ClinVar variation 2364954 (VCV002364954.7), dbSNP rs746706465, ClinGen allele CA7337994.

ClinVar aggregate classification (germline): Uncertain significance. Review status: criteria provided, multiple submitters, no conflicts (2 of 4 stars). 2 submissions from 2 submitters: Uncertain significance (2). Last evaluated 2025-10-02.

Allele frequency attached by ClinVar (database versions not stated): gnomAD 0.00009.
gnomAD v4.1: 159 of 1,613,986 alleles (0.0099%); highest among the groups gnomAD compares: Admixed American, 0.033%; no homozygotes.

Submissions (2):

Ambry Genetics
Classification: Uncertain significance. Last evaluated: 2025-10-02. Review status: criteria provided, single submitter. Criteria: Ambry Variant Classification Scheme 2023. Collection method: clinical testing. Allele origin: germline.

Labcorp Genetics (formerly Invitae), Labcorp
Classification: Uncertain significance. Last evaluated: 2023-09-15. Review status: criteria provided, single submitter. Criteria: Invitae Variant Classification Sherloc (09022015). Collection method: clinical testing. Allele origin: germline.
Comment: ClinVar contains an entry for this variant (Variation ID: 2364954). This variant has not been reported in the literature in individuals affected with AK7-related conditions. This variant is present in population databases (rs746706465, gnomAD 0.04%). This sequence change replaces arginine, which is basic and polar, with glutamine, which is neutral and polar, at codon 629 of the AK7 protein (p.Arg629Gln). Advanced modeling of protein sequence and biophysical properties (such as structural, functional, and spatial information, amino acid conservation, physicochemical variation, residue mobility, and thermodynamic stability) performed at Invitae indicates that this missense variant is not expected to disrupt AK7 protein function. In summary, the available evidence is currently insufficient to determine the role of this variant in disease. Therefore, it has been classified as a Variant of Uncertain Significance.